The following is an entry in ClinVar:

NM_019892.6(INPP5E):c.1058A>G (p.Gln353Arg)

Gene: INPP5E (inositol polyphosphate-5-phosphatase E; minus strand). Cytogenetic location: 9q34.3.
Variant type: single nucleotide variant.
Coding change: c.1058A>G on transcript NM_019892.6 (MANE Select); coding-DNA position 1058, A replaced by G.
Protein change: p.Gln353Arg; replaces glutamine 353 with arginine.
Molecular consequence: missense variant.
Genome position (GRCh38, 1-based): chr9:136,433,256, T>C on the plus strand (A>G on the coding strand, the complement: INPP5E is on the minus strand). VCF-style: chr9-136433256-T-C. GRCh37 (hg19) VCF-style: chr9-139327708-T-C.
Other names: c.1058A>G, p.Gln353Arg (NM_001318502.2); short protein forms Q353R.
Identifiers: ClinVar variation 1388968 (VCV001388968.6), dbSNP rs1835756247, ClinGen allele CA375564509.
Genomic context (GRCh38, chr9:136,433,256, plus strand): 5'-ATGTAGAGCACGCCGTGGGCCGCCGAGGACAGCAGCACATAGTGCGGGCCCAGCGTCTCC[T>C]GCAGACGAGTCTCCCACTCCCGCCTGCAGAGGAGGAAGCACGGCCGGCTGGGGGACATGG-3'
Protein context (NP_063945.2, residues 343-363): SDRREWETRL[Gln353Arg]ETLGPHYVLL

ClinVar aggregate classification (germline): Uncertain significance (1 of 4 stars; one submission).

Conditions:
Joubert syndrome. Also called: CEREBELLOPARENCHYMAL DISORDER IV; JOUBERT-BOLTSHAUSER SYNDROME; Familial aplasia of the vermis. Identifiers: Orphanet 475, MedGen C5979921, MONDO:0018772.

Allele frequency attached by ClinVar (database versions not stated): gnomAD 0.00001.
gnomAD v4.1: 3 of 1,586,976 alleles (0.00019%); highest among the groups gnomAD compares: African/African-American, 0.0014%; no homozygotes.

Submission:

Labcorp Genetics (formerly Invitae), Labcorp
Classification: Uncertain significance for Joubert syndrome. Last evaluated: 2021-08-09. Review status: criteria provided, single submitter. Criteria: Invitae Variant Classification Sherloc (09022015). Collection method: clinical testing. Allele origin: germline.
Comment: This sequence change replaces glutamine with arginine at codon 353 of the INPP5E protein (p.Gln353Arg). The glutamine residue is highly conserved and there is a small physicochemical difference between glutamine and arginine. This variant is not present in population databases (ExAC no frequency). This variant has not been reported in the literature in individuals affected with INPP5E-related conditions. Advanced modeling of protein sequence and biophysical properties (such as structural, functional, and spatial information, amino acid conservation, physicochemical variation, residue mobility, and thermodynamic stability) performed at Invitae indicates that this missense variant is expected to disrupt INPP5E protein function. In summary, the available evidence is currently insufficient to determine the role of this variant in disease. Therefore, it has been classified as a Variant of Uncertain Significance.